The following is an entry in ClinVar:

ClinVar aggregate classification (germline): Uncertain significance. Review status: criteria provided, multiple submitters, no conflicts (2 of 4 stars). 2 submissions from 2 submitters: Uncertain significance (2). Last evaluated 2026-05-24.

Conditions:
Hereditary cancer-predisposing syndrome. Also called: Hereditary neoplastic syndrome; Tumor predisposition; Hereditary Cancer Syndrome; Neoplastic Syndromes, Hereditary. Identifiers: Orphanet 140162, MedGen C0027672, MeSH D009386, MONDO:0015356.
Familial cancer of breast. Also called: BREAST CANCER, FAMILIAL; Hereditary breast cancer; hereditary breast carcinoma. Identifiers: Orphanet 227535, MedGen C0346153, MONDO:0016419, OMIM 114480. Disease mechanism: loss of function.

Submissions (2):

Ambry Genetics
Classification: Uncertain significance for Hereditary cancer-predisposing syndrome. Last evaluated: 2026-05-24. Review status: criteria provided, single submitter. Criteria: Ambry Variant Classification Scheme 2023. Collection method: clinical testing. Allele origin: germline.
Comment: The p.I69N variant (also known as c.206T>A), located in coding exon 2 of the BARD1 gene, results from a T to A substitution at nucleotide position 206. The isoleucine at codon 69 is replaced by asparagine, an amino acid with dissimilar properties. This amino acid position is conserved. In addition, the in silico prediction for this alteration is inconclusive. Based on the available evidence, the clinical significance of this variant remains unclear.

Labcorp Genetics (formerly Invitae), Labcorp
Classification: Uncertain significance for Familial cancer of breast. Last evaluated: 2025-10-02. Review status: criteria provided, single submitter. Criteria: Invitae Variant Classification Sherloc (09022015). Collection method: clinical testing. Allele origin: germline.
Comment: This sequence change replaces isoleucine, which is neutral and non-polar, with asparagine, which is neutral and polar, at codon 69 of the BARD1 protein (p.Ile69Asn). This variant is not present in population databases (gnomAD no frequency). This variant has not been reported in the literature in individuals affected with BARD1-related conditions. ClinVar contains an entry for this variant (Variation ID: 3604146). An algorithm developed to predict the effect of missense changes on protein structure and function (PolyPhen-2) suggests that this variant is likely to be disruptive. In summary, the available evidence is currently insufficient to determine the role of this variant in disease. Therefore, it has been classified as a Variant of Uncertain Significance.

NM_000465.4(BARD1):c.206T>A (p.Ile69Asn)

Gene: BARD1 (BRCA1 associated RING domain 1; minus strand). Cytogenetic location: 2q35.
Variant type: single nucleotide variant.
Coding change: c.206T>A on transcript NM_000465.4 (MANE Select); coding-DNA position 206, T replaced by A.
Protein change: p.Ile69Asn; replaces isoleucine 69 with asparagine.
Molecular consequence: missense variant. On other transcripts: non-coding transcript variant (2), intron variant (2).
Genome position (GRCh38, 1-based): chr2:214,797,070, A>T on the plus strand (T>A on the coding strand, the complement: BARD1 is on the minus strand). VCF-style: chr2-214797070-A-T. GRCh37 (hg19) VCF-style: chr2-215661794-A-T.
Other names: c.206T>A, p.Ile69Asn (NM_001282545.2, NM_001282549.2); c.158+12342T>A (NM_001282548.2); c.159-4625T>A (NM_001282543.2); c.206T>A (NM_000465.2); short protein forms I69N.
Identifiers: ClinVar variation 3604146 (VCV003604146.3).
Genomic context (GRCh38, chr2:214,797,070, plus strand): 5'-ATCTAGTAAAAAATACAGTTGTACTATATACATCAAACCGTAATTACTTACCTACAGAAG[A>T]TGTGCTCACATCCTCCTAAACACACAGGCTCTCTCAGAATGTTAGTACTGTTTGAAGAAA-3'
Protein context (NP_000456.2, residues 59-79): EPVCLGGCEH[Ile69Asn]FCSNCVSDCI